The following is an entry in ClinVar:

NM_021922.3(FANCE):c.1531G>T (p.Gly511Cys)

Gene: FANCE (FA complementation group E; plus strand). Cytogenetic location: 6p21.31.
Variant type: single nucleotide variant.
Coding change: c.1531G>T on transcript NM_021922.3 (MANE Select); coding-DNA position 1531, G replaced by T.
Protein change: p.Gly511Cys; replaces glycine 511 with cysteine.
Molecular consequence: missense variant.
Genome position (GRCh38, 1-based): chr6:35,466,265, G>T. VCF-style: chr6-35466265-G-T. GRCh37 (hg19) VCF-style: chr6-35434042-G-T.
Other names: c.1338G>T, p.Trp446Cys (NM_001410876.1); short protein forms G511C, W446C.
Identifiers: ClinVar variation 1722284 (VCV001722284.6), dbSNP rs2533709447, ClinGen allele CA363778537.

ClinVar aggregate classification (germline): Uncertain significance (1 of 4 stars; one submission).

Conditions:
Fanconi anemia complementation group E (FANCE). Also called: FANCE-Related Fanconi Anemia. Identifiers: Orphanet 84, MedGen C3160739, MONDO:0010953, OMIM 600901.

Submission:

Labcorp Genetics (formerly Invitae), Labcorp
Classification: Uncertain significance for Fanconi anemia complementation group E. Last evaluated: 2022-07-21. Review status: criteria provided, single submitter. Criteria: Invitae Variant Classification Sherloc (09022015). Collection method: clinical testing. Allele origin: germline.
Comment: In summary, the available evidence is currently insufficient to determine the role of this variant in disease. Therefore, it has been classified as a Variant of Uncertain Significance. Algorithms developed to predict the effect of missense changes on protein structure and function output the following: SIFT: "Tolerated"; PolyPhen-2: "Probably Damaging"; Align-GVGD: "Class C15". The cysteine amino acid residue is found in multiple mammalian species, which suggests that this missense change does not adversely affect protein function. This variant has not been reported in the literature in individuals affected with FANCE-related conditions. This variant is not present in population databases (gnomAD no frequency). This sequence change replaces glycine, which is neutral and non-polar, with cysteine, which is neutral and slightly polar, at codon 511 of the FANCE protein (p.Gly511Cys).